The following is an entry in ClinVar:

ClinVar aggregate classification (germline): Uncertain significance (1 of 4 stars; one submission).

Conditions:
Hearing impairment. Also called: Impaired Hearing. Identifiers: MedGen C1384666, MONDO:0005365, HP:0000365.

Allele frequency attached by ClinVar (database versions not stated): gnomAD 0.00001; gnomAD exomes 0.00001 and 0.00002; TOPMed 0.00001; ExAC 0.00002; 1000 Genomes Project 30x 0.00016; 1000 Genomes Project 0.00020.
gnomAD v4.1: 20 of 1,613,612 alleles (0.0012%); highest among the groups gnomAD compares: South Asian, 0.011%; no homozygotes.

Submission:

Department of Otolaryngology – Head & Neck Surgery, Cochlear Implant Center
Classification: Uncertain significance for Hearing impairment. Last evaluated: 2021-04-12. Review status: criteria provided, single submitter. Criteria: ClinGen HL ACMG Specifications v1. Collection method: clinical testing. Allele origin: germline. Affected: yes.
Comment: PM2_Moderate, PP3_Supporting

NM_004817.4(TJP2):c.85T>C (p.Trp29Arg)

Gene: TJP2 (tight junction protein 2; plus strand). Cytogenetic location: 9q21.11.
Variant type: single nucleotide variant.
Coding change: c.85T>C on transcript NM_004817.4 (MANE Select); coding-DNA position 85, T replaced by C.
Protein change: p.Trp29Arg; replaces tryptophan 29 with arginine.
Molecular consequence: missense variant.
Genome position (GRCh38, 1-based): chr9:69,212,572, T>C. VCF-style: chr9-69212572-T-C. GRCh37 (hg19) VCF-style: chr9-71827488-T-C.
Other names: c.16T>C, p.Trp6Arg (NM_001170414.2, NM_001369870.1, NM_001369871.1); c.97T>C, p.Trp33Arg (NM_001170415.1, NM_001369874.1, NM_001369875.1); c.178T>C, p.Trp60Arg (NM_001170416.2); c.85T>C, p.Trp29Arg (NM_001369872.1, NM_001369873.1, NM_201629.3); short protein forms W29R, W33R, W60R, W6R.
Identifiers: ClinVar variation 1065103 (VCV001065103.3), dbSNP rs530470555, ClinGen allele CA5072897.